The following is an entry in ClinVar:

NM_001080414.4(CCDC88C):c.5303del (p.Pro1768fs)

Gene: CCDC88C (coiled-coil and HOOK domain protein 88C; minus strand). Cytogenetic location: 14q32.11.
Variant type: Deletion.
Coding change: c.5303del on transcript NM_001080414.4 (MANE Select); coding-DNA position 5303, one base deleted (C; older notation c.5303delC).
Protein change: p.Pro1768fs; shifts the reading frame from proline 1768.
Molecular consequence: frameshift variant.
Genome position (GRCh38, 1-based): chr14:91,273,409, G deleted on the plus strand (C on the coding strand, the reverse complement: CCDC88C is on the minus strand); the first of 4 consecutive G bases (chr14:91,273,409-91,273,412); deleting any one gives the same sequence. VCF-style (leftmost placement, unchanged base first): chr14-91273408-CG-C. GRCh37 (hg19) VCF-style: chr14-91739752-CG-C.
Other names: short protein forms P1768fs.
Identifiers: ClinVar variation 2881725 (VCV002881725.3), dbSNP rs2544240615, ClinGen allele CA2575602980.

ClinVar aggregate classification (germline): Pathogenic (1 of 4 stars; one submission).

Submission:

Labcorp Genetics (formerly Invitae), Labcorp
Classification: Pathogenic. Last evaluated: 2023-08-22. Review status: criteria provided, single submitter. Criteria: Invitae Variant Classification Sherloc (09022015). Collection method: clinical testing. Allele origin: germline.
Comment: This sequence change creates a premature translational stop signal (p.Pro1768Argfs*34) in the CCDC88C gene. While this is not anticipated to result in nonsense mediated decay, it is expected to disrupt the last 261 amino acid(s) of the CCDC88C protein. This variant is not present in population databases (gnomAD no frequency). This variant has not been reported in the literature in individuals affected with CCDC88C-related conditions. This variant disrupts a region of the CCDC88C protein in which other variant(s) (p.Glu1949Glyfs*26) have been determined to be pathogenic (PMID: 23042809). This suggests that this is a clinically significant region of the protein, and that variants that disrupt it are likely to be disease-causing. For these reasons, this variant has been classified as Pathogenic.

Literature cited by the submitters: PubMed 23042809.